The following is an entry in ClinVar:

NM_002294.3(LAMP2):c.183dup (p.Lys62Ter)

Gene: LAMP2 (lysosome associated membrane protein 2; minus strand). Cytogenetic location: Xq24.
Variant type: Duplication.
Coding change: c.183dup on transcript NM_002294.3 (MANE Select); coding-DNA position 183, one base duplicated (T; older notation c.183dupT).
Protein change: p.Lys62Ter; replaces lysine 62 with a stop codon.
Molecular consequence: nonsense.
Genome position (GRCh38, 1-based): chrX:120,456,651, A duplicated on the plus strand (T on the coding strand, the reverse complement: LAMP2 is on the minus strand). VCF-style (leftmost placement, unchanged base first): chrX-120456650-C-CA. GRCh37 (hg19) VCF-style: chrX-119590505-C-CA.
Other names: c.183dup, p.Lys62Ter (NM_001122606.1, NM_013995.2); short protein forms K62*.
Identifiers: ClinVar variation 2572582 (VCV002572582.1), dbSNP rs2520912530, ClinGen allele CA2580612467.

ClinVar aggregate classification (germline): Likely pathogenic (1 of 4 stars; one submission).

Conditions:
Danon disease. Also called: ANTOPOL DISEASE; PSEUDOGLYCOGENOSIS II; GSD IIb; LYSOSOMAL GLYCOGEN STORAGE DISEASE WITHOUT ACID MALTASE DEFICIENCY; Glycogen Storage Disease Type IIb. Identifiers: Orphanet 34587, MedGen C0878677, MONDO:0010281, OMIM 300257.

Submission:

3billion
Classification: Likely pathogenic for Danon disease. Review status: criteria provided, single submitter. Criteria: ACMG Guidelines, 2015. Collection method: clinical testing. Allele origin: unknown. Affected: yes. Observed: 1 hemizygote.
Comment: The variant is not observed in the gnomAD v2.1.1 dataset. This stop-gained (nonsense) variant is predicted to result in a loss or disruption of normal protein function through nonsense-mediated decay (NMD) or protein truncation. Multiple pathogenic variants are reported downstream of the variant. Therefore, this variant is classified as likely pathogenic according to the recommendation of ACMG/AMP guideline.